The following is an entry in ClinVar:

NM_000059.4(BRCA2):c.3325G>C (p.Ala1109Pro)

Gene: BRCA2 (BRCA2 DNA repair associated; plus strand). Cytogenetic location: 13q13.1.
Variant type: single nucleotide variant.
Coding change: c.3325G>C on transcript NM_000059.4 (MANE Select); coding-DNA position 3325, G replaced by C.
Protein change: p.Ala1109Pro; replaces alanine 1109 with proline.
Molecular consequence: missense variant.
Genome position (GRCh38, 1-based): chr13:32,337,680, G>C. VCF-style: chr13-32337680-G-C. GRCh37 (hg19) VCF-style: chr13-32911817-G-C.
Other names: short protein forms A1109P.
Identifiers: ClinVar variation 846697 (VCV000846697.11), dbSNP rs752886421, ClinGen allele CA387776253.

ClinVar aggregate classification (germline): Conflicting classifications of pathogenicity. Review status: criteria provided, conflicting classifications (1 of 4 stars). 2 submissions from 2 submitters: Uncertain significance (1); Likely benign (1). Last evaluated 2023-03-23.

Conditions:
Hereditary breast ovarian cancer syndrome. Also called: Breast and ovarian cancer; Hereditary breast and ovarian cancer; Hereditary breast and/or ovarian cancer syndrome; BRCA1- and BRCA2-Associated Hereditary Breast and Ovarian Cancer; Hereditary breast and ovarian cancer syndrome; Hereditary breast and ovarian cancer syndrome (HBOC). Identifiers: Orphanet 145, MedGen C0677776, MeSH D061325, MONDO:0003582. Disease mechanism: loss of function.
Hereditary cancer-predisposing syndrome. Also called: Tumor predisposition; Hereditary neoplastic syndrome; Neoplastic Syndromes, Hereditary; Hereditary Cancer Syndrome. Identifiers: Orphanet 140162, MedGen C0027672, MeSH D009386, MONDO:0015356.

Submissions (2):

University of Washington Department of Laboratory Medicine, University of Washington
Classification: Likely benign for Hereditary cancer-predisposing syndrome. Last evaluated: 2023-03-23. Review status: criteria provided, single submitter. Criteria: Dines et al. (Genet Med. 2020). Collection method: curation. Allele origin: germline.
Comment: Missense variant in a coldspot region where missense variants are very unlikely to be pathogenic (PMID:31911673).

BRCA2 exon 11 coldspot. Reclassification based on statistical prior probability.

Labcorp Genetics (formerly Invitae), Labcorp
Classification: Uncertain significance for Hereditary breast ovarian cancer syndrome. Last evaluated: 2019-12-06. Review status: criteria provided, single submitter. Criteria: Invitae Variant Classification Sherloc (09022015). Collection method: clinical testing. Allele origin: germline.
Comment: This sequence change replaces alanine with proline at codon 1109 of the BRCA2 protein (p.Ala1109Pro). The alanine residue is highly conserved and there is a small physicochemical difference between alanine and proline. This variant is not present in population databases (ExAC no frequency). This variant has not been reported in the literature in individuals with BRCA2-related conditions. Algorithms developed to predict the effect of missense changes on protein structure and function are either unavailable or do not agree on the potential impact of this missense change (SIFT: "Deleterious"; PolyPhen-2: "Probably Damaging"; Align-GVGD: "Class C0"). In summary, the available evidence is currently insufficient to determine the role of this variant in disease. Therefore, it has been classified as a Variant of Uncertain Significance.